The following is an entry in ClinVar:

ClinVar aggregate classification (germline): Uncertain significance. Review status: criteria provided, multiple submitters, no conflicts (2 of 4 stars). 3 submissions from 3 submitters: Uncertain significance (3). Last evaluated 2026-08-10.

Conditions:
Cardiovascular phenotype. Identifiers: MedGen CN230736.
Cholestanol storage disease (CTX). Also called: Cerebrotendinous Xanthomatosis; CTX: Cerebrotendinous xanthomatosis; CEREBRAL CHOLESTERINOSIS. Identifiers: Orphanet 909, MedGen C0238052, MONDO:0008948, OMIM 213700.

Allele frequency attached by ClinVar (database versions not stated): gnomAD 0.00001; TOPMed below 0.00001; gnomAD exomes 0.00002 and 0.00005; ExAC 0.00015.
gnomAD v4.1: 31 of 1,549,336 alleles (0.002%); highest among the groups gnomAD compares: South Asian, 0.037%; no homozygotes.

Submissions (3):

Ambry Genetics
Classification: Uncertain significance for Cardiovascular phenotype. Last evaluated: 2026-08-10. Review status: criteria provided, single submitter. Criteria: Ambry Variant Classification Scheme 2023. Collection method: clinical testing. Allele origin: germline.
Comment: The p.C21R variant (also known as c.61T>C), located in coding exon 1 of the CYP27A1 gene, results from a T to C substitution at nucleotide position 61. The cysteine at codon 21 is replaced by arginine, an amino acid with highly dissimilar properties. This amino acid position is conserved. In addition, this alteration is predicted to be tolerated by in silico analysis. Based on the available evidence, the clinical significance of this variant remains unclear.

Blueprint Genetics
Classification: Uncertain significance. Last evaluated: 2023-02-06. Review status: criteria provided, single submitter. Criteria: ACMG Guidelines, 2015. Collection method: clinical testing. Allele origin: germline.

Labcorp Genetics (formerly Invitae), Labcorp
Classification: Uncertain significance for Cholestanol storage disease. Last evaluated: 2022-05-12. Review status: criteria provided, single submitter. Criteria: Invitae Variant Classification Sherloc (09022015). Collection method: clinical testing. Allele origin: germline.
Comment: This sequence change replaces cysteine, which is neutral and slightly polar, with arginine, which is basic and polar, at codon 21 of the CYP27A1 protein (p.Cys21Arg). This variant is present in population databases (rs751804153, gnomAD 0.03%). This variant has not been reported in the literature in individuals affected with CYP27A1-related conditions. Advanced modeling of protein sequence and biophysical properties (such as structural, functional, and spatial information, amino acid conservation, physicochemical variation, residue mobility, and thermodynamic stability) performed at Invitae indicates that this missense variant is not expected to disrupt CYP27A1 protein function. In summary, the available evidence is currently insufficient to determine the role of this variant in disease. Therefore, it has been classified as a Variant of Uncertain Significance.

NM_000784.4(CYP27A1):c.61T>C (p.Cys21Arg)

Gene: CYP27A1 (cytochrome P450 family 27 subfamily A member 1; plus strand). Cytogenetic location: 2q35.
Variant type: single nucleotide variant.
Coding change: c.61T>C on transcript NM_000784.4 (MANE Select); coding-DNA position 61, T replaced by C.
Protein change: p.Cys21Arg; replaces cysteine 21 with arginine.
Molecular consequence: missense variant.
Genome position (GRCh38, 1-based): chr2:218,782,243, T>C. VCF-style: chr2-218782243-T-C. GRCh37 (hg19) VCF-style: chr2-219646966-T-C.
Other names: c.61T>C (NM_000784.3); short protein forms C21R.
Identifiers: ClinVar variation 1425076 (VCV001425076.7), dbSNP rs751804153, ClinGen allele CA2112506.